The following is an entry in ClinVar:

NM_004304.5(ALK):c.3583_3585delinsTTC (p.Leu1195Phe)

Gene: ALK (ALK receptor tyrosine kinase; minus strand). Cytogenetic location: 2p23.2.
Variant type: Indel.
Coding change: c.3583_3585delinsTTC on transcript NM_004304.5 (MANE Select); coding-DNA positions 3583 to 3585, CTG replaced by TTC.
Protein change: p.Leu1195Phe; replaces leucine 1195 with phenylalanine.
Molecular consequence: missense variant.
Genome position (GRCh38, 1-based): chr2:29,220,766-29,220,768, CAG replaced by GAA on the plus strand (CTG replaced by TTC on the coding strand, the reverse complement: ALK is on the minus strand). VCF-style: chr2-29220766-CAG-GAA. GRCh37 (hg19) VCF-style: chr2-29443632-CAG-GAA.
Other names: c.379_381delinsTTC, p.Leu127Phe (NM_001353765.2); short protein forms L1195F, L127F.
Identifiers: ClinVar variation 4272763 (VCV004272763.1).

ClinVar aggregate classification (germline): Uncertain significance (1 of 4 stars; one submission).

Conditions:
Hereditary cancer-predisposing syndrome. Also called: Hereditary Cancer Syndrome; Hereditary neoplastic syndrome; Neoplastic Syndromes, Hereditary; Tumor predisposition. Identifiers: Orphanet 140162, MedGen C0027672, MeSH D009386, MONDO:0015356.

Submission:

Ambry Genetics
Classification: Uncertain significance for Hereditary cancer-predisposing syndrome. Last evaluated: 2025-08-06. Review status: criteria provided, single submitter. Criteria: Ambry Variant Classification Scheme 2023. Collection method: clinical testing. Allele origin: germline.
Comment: The c.3583_3585delCTGinsTTC variant (also known as p.L1195F), located in coding exon 23 of the ALK gene, results from an in-frame deletion of CTG and insertion of TTC at nucleotide positions 3583 to 3585. This results in the substitution of the leucine residue for a phenylalanine residue at codon 1195, an amino acid with highly similar properties. This amino acid position is highly conserved in available vertebrate species. Based on the available evidence, the clinical significance of this variant remains unclear.